The following is an entry in ClinVar:

ClinVar aggregate classification (germline): Uncertain significance. Review status: criteria provided, multiple submitters, no conflicts (2 of 4 stars). 2 submissions from 2 submitters: Uncertain significance (2). Last evaluated 2024-04-29.

Conditions:
Hereditary cancer-predisposing syndrome. Also called: Hereditary neoplastic syndrome; Tumor predisposition; Neoplastic Syndromes, Hereditary; Hereditary Cancer Syndrome. Identifiers: Orphanet 140162, MedGen C0027672, MeSH D009386, MONDO:0015356.
Ataxia-telangiectasia syndrome (AT). Also called: ATAXIA-TELANGIECTASIA, COMPLEMENTATION GROUP A; ATAXIA-TELANGIECTASIA, FRESNO VARIANT; LOUIS-BAR SYNDROME; Ataxia-telangiectasia; Cerebello-oculocutaneous telangiectasia; Immunodeficiency with ataxia telangiectasia. Identifiers: Orphanet 100, MedGen C0004135, MONDO:0008840, OMIM 208900.

Submissions (2):

Labcorp Genetics (formerly Invitae), Labcorp
Classification: Uncertain significance for Ataxia-telangiectasia syndrome. Last evaluated: 2024-04-29. Review status: criteria provided, single submitter. Criteria: Invitae Variant Classification Sherloc (09022015). Collection method: clinical testing. Allele origin: germline.
Comment: This sequence change replaces isoleucine, which is neutral and non-polar, with methionine, which is neutral and non-polar, at codon 735 of the ATM protein (p.Ile735Met). This variant is not present in population databases (gnomAD no frequency). This variant has not been reported in the literature in individuals affected with ATM-related conditions. ClinVar contains an entry for this variant (Variation ID: 1480875). Algorithms developed to predict the effect of missense changes on protein structure and function output the following: SIFT: "Not Available"; PolyPhen-2: "Benign"; Align-GVGD: "Not Available". The methionine amino acid residue is found in multiple mammalian species, which suggests that this missense change does not adversely affect protein function. In summary, the available evidence is currently insufficient to determine the role of this variant in disease. Therefore, it has been classified as a Variant of Uncertain Significance.

Color Diagnostics, LLC DBA Color Health
Classification: Uncertain significance for Hereditary cancer-predisposing syndrome. Last evaluated: 2023-12-05. Review status: criteria provided, single submitter. Criteria: ACMG Guidelines, 2015. Collection method: clinical testing. Allele origin: germline.
Comment: This missense variant replaces isoleucine with methionine at codon 735 of the ATM protein. Computational prediction suggests that this variant may not impact protein structure and function. To our knowledge, functional studies have not been reported for this variant. This variant has not been reported in individuals affected with ATM-related disorders in the literature. This variant has not been identified in the general population by the Genome Aggregation Database (gnomAD). The available evidence is insufficient to determine the role of this variant in disease conclusively. Therefore, this variant is classified as a Variant of Uncertain Significance.

NM_000051.4(ATM):c.2205A>G (p.Ile735Met)

Gene: ATM (ATM serine/threonine kinase; plus strand). Cytogenetic location: 11q22.3.
Variant type: single nucleotide variant.
Coding change: c.2205A>G on transcript NM_000051.4 (MANE Select); coding-DNA position 2205, A replaced by G.
Protein change: p.Ile735Met; replaces isoleucine 735 with methionine.
Molecular consequence: missense variant.
Genome position (GRCh38, 1-based): chr11:108,256,295, A>G. VCF-style: chr11-108256295-A-G. GRCh37 (hg19) VCF-style: chr11-108127022-A-G.
Other names: c.2205A>G, p.Ile735Met (NM_001351834.2); short protein forms I735M.
Identifiers: ClinVar variation 1480875 (VCV001480875.8), dbSNP rs2135394034, ClinGen allele CA382539009.
Genomic context (GRCh38, chr11:108,256,295, plus strand): 5'-TGTCCGGTGTTCACGTCTTTTGGTGGGTGTCCTTGGCTGCTACTGTTACATGGGTGTAAT[A>G]GCTGAAGAGGAAGCATATAAGTCAGAATTATTCCAGAAAGCCAAGGTAGGAGAATTTATA-3'
Protein context (NP_000042.3, residues 725-745): VLGCYCYMGV[Ile735Met]AEEEAYKSEL